The following is an entry in ClinVar:

NM_000143.4(FH):c.1247del (p.Val416fs)

Gene: FH (fumarate hydratase; minus strand). Cytogenetic location: 1q43.
Variant type: Deletion.
Coding change: c.1247del on transcript NM_000143.4 (MANE Select); coding-DNA position 1247, one base deleted (T; older notation c.1247delT).
Protein change: p.Val416fs; shifts the reading frame from valine 416.
Molecular consequence: frameshift variant.
Genome position (GRCh38, 1-based): chr1:241,500,580, A deleted on the plus strand (T on the coding strand, the reverse complement: FH is on the minus strand). VCF-style (leftmost placement, unchanged base first): chr1-241500579-CA-C. GRCh37 (hg19) VCF-style: chr1-241663879-CA-C.
Other names: short protein forms V416fs.
Identifiers: ClinVar variation 1455272 (VCV001455272.9), dbSNP rs2147913368, ClinGen allele CA2573132909.

ClinVar aggregate classification (germline): Pathogenic. Review status: criteria provided, multiple submitters, no conflicts (2 of 4 stars). 3 submissions from 3 submitters: Pathogenic (3). Last evaluated 2025-12-10.

Conditions:
Hereditary leiomyomatosis and renal cell cancer. Also called: FH tumor predisposition syndrome; LEIOMYOMA, MULTIPLE CUTANEOUS; MULTIPLE CUTANEOUS AND UTERINE LEIOMYOMATA 1, WITH OR WITHOUT RENAL CELL CARCINOMA; Multiple cutaneous leiomyomas; Familial leiomyomatosis; Reed syndrome. Identifiers: Orphanet 523, MedGen C1708350, MONDO:0007888, OMIM 150800, HP:0007437. Disease mechanism: loss of function.
Hereditary cancer-predisposing syndrome. Also called: Hereditary neoplastic syndrome; Tumor predisposition; Hereditary Cancer Syndrome; Neoplastic Syndromes, Hereditary. Identifiers: Orphanet 140162, MedGen C0027672, MeSH D009386, MONDO:0015356.

Submissions (3):

Myriad Genetics, Inc.
Classification: Pathogenic for Hereditary leiomyomatosis and renal cell cancer. Last evaluated: 2025-12-10. Review status: criteria provided, single submitter. Criteria: Myriad Autosomal Dominant, Autosomal Recessive and X-Linked Classification Criteria (2023). Collection method: clinical testing. Allele origin: unknown.
Comment: This variant is considered pathogenic. This variant creates a frameshift predicted to result in premature protein truncation.

Labcorp Genetics (formerly Invitae), Labcorp
Classification: Pathogenic. Last evaluated: 2022-01-13. Review status: criteria provided, single submitter. Criteria: Invitae Variant Classification Sherloc (09022015). Collection method: clinical testing. Allele origin: germline.
Comment: For these reasons, this variant has been classified as Pathogenic. This variant disrupts a region of the FH protein in which other variant(s) (p.Trp500*) have been determined to be pathogenic (PMID: 9635293, 21398687; Invitae). This suggests that this is a clinically significant region of the protein, and that variants that disrupt it are likely to be disease-causing. This variant has not been reported in the literature in individuals affected with FH-related conditions. This variant is not present in population databases (gnomAD no frequency). This sequence change creates a premature translational stop signal (p.Val416Glyfs*33) in the FH gene. While this is not anticipated to result in nonsense mediated decay, it is expected to disrupt the last 95 amino acid(s) of the FH protein.

Ambry Genetics
Classification: Pathogenic for Hereditary cancer-predisposing syndrome. Last evaluated: 2021-10-25. Review status: criteria provided, single submitter. Criteria: Ambry Variant Classification Scheme 2023. Collection method: clinical testing. Allele origin: germline.
Comment: The c.1247delT pathogenic mutation, located in coding exon 9 of the FH gene, results from a deletion of one nucleotide at nucleotide position 1247, causing a translational frameshift with a predicted alternate stop codon (p.V416Gfs*33). This alteration occurs at the 3' terminus of the FH gene, is not expected to trigger nonsense-mediated mRNA decay, and only impacts the last 95 amino acids of the protein. However, premature stop codons are typically deleterious in nature and the impacted region is critical for protein function (Ambry internal data). This variant is considered to be rare based on population cohorts in the Genome Aggregation Database (gnomAD). Based on the supporting evidence, this alteration is interpreted as a disease-causing mutation.

Literature cited by the submitters: PubMed 9635293 (cited by Labcorp Genetics (formerly Invitae), Labcorp); PubMed 21398687 (cited by Labcorp Genetics (formerly Invitae), Labcorp).